The following is an entry in ClinVar:

ClinVar aggregate classification (germline): Uncertain significance (1 of 4 stars; one submission).

Conditions:
Inborn genetic diseases. Identifiers: MedGen C0950123, MeSH D030342.

Submission:

Ambry Genetics
Classification: Uncertain significance for Inborn genetic diseases. Last evaluated: 2021-12-29. Review status: criteria provided, single submitter. Criteria: Ambry Variant Classification Scheme 2023. Collection method: clinical testing. Allele origin: germline.
Comment: The p.V500L variant (also known as c.1498G>C), located in coding exon 8 of the PIK3CA gene, results from a G to C substitution at nucleotide position 1498. The valine at codon 500 is replaced by leucine, an amino acid with highly similar properties. This amino acid position is conserved. In addition, this alteration is predicted to be tolerated by in silico analysis. Since supporting evidence is limited at this time, the clinical significance of this alteration remains unclear.

NM_006218.4(PIK3CA):c.1498G>C (p.Val500Leu)

Gene: PIK3CA (phosphatidylinositol-4,5-bisphosphate 3-kinase catalytic subunit alpha; plus strand). Cytogenetic location: 3q26.32.
Variant type: single nucleotide variant.
Coding change: c.1498G>C on transcript NM_006218.4 (MANE Select); coding-DNA position 1498, G replaced by C.
Protein change: p.Val500Leu; replaces valine 500 with leucine.
Molecular consequence: missense variant.
Genome position (GRCh38, 1-based): chr3:179,210,524, G>C. VCF-style: chr3-179210524-G-C. GRCh37 (hg19) VCF-style: chr3-178928312-G-C.
Other names: short protein forms V500L.
Identifiers: ClinVar variation 1773927 (VCV001773927.2), dbSNP rs1724682869, ClinGen allele CA355262704.